The following is an entry in ClinVar:

NM_005228.5(EGFR):c.86A>C (p.Lys29Thr)

Gene: EGFR (epidermal growth factor receptor; plus strand). Cytogenetic location: 7p11.2.
Variant type: single nucleotide variant.
Coding change: c.86A>C on transcript NM_005228.5 (MANE Select); coding-DNA position 86, A replaced by C.
Protein change: p.Lys29Thr; replaces lysine 29 with threonine.
Molecular consequence: missense variant.
Genome position (GRCh38, 1-based): chr7:55,019,363, A>C. VCF-style: chr7-55019363-A-C. GRCh37 (hg19) VCF-style: chr7-55087056-A-C.
Other names: c.86A>C, p.Lys29Thr (NM_001346897.2, NM_001346898.2, NM_001346899.2 and 4 more transcripts); c.86A>C (NM_005228.3); short protein forms K29T.
Identifiers: ClinVar variation 1039684 (VCV001039684.9), dbSNP rs774551548, ClinGen allele CA4265116.

ClinVar aggregate classification (germline): Uncertain significance. Review status: criteria provided, multiple submitters, no conflicts (2 of 4 stars). 2 submissions from 2 submitters: Uncertain significance (2). Last evaluated 2025-12-05.

Conditions:
Hereditary cancer-predisposing syndrome. Also called: Neoplastic Syndromes, Hereditary; Hereditary Cancer Syndrome; Tumor predisposition; Hereditary neoplastic syndrome. Identifiers: Orphanet 140162, MedGen C0027672, MeSH D009386, MONDO:0015356.
EGFR-related lung cancer (EGFR). Identifiers: MedGen CN130014.

Allele frequency attached by ClinVar (database versions not stated): gnomAD exomes 0.00001; ExAC 0.00002.

Submissions (2):

Ambry Genetics
Classification: Uncertain significance for Hereditary cancer-predisposing syndrome. Last evaluated: 2025-12-05. Review status: criteria provided, single submitter. Criteria: Ambry Variant Classification Scheme 2023. Collection method: clinical testing. Allele origin: germline.
Comment: The p.K29T variant (also known as c.86A>C), located in coding exon 1 of the EGFR gene, results from an A to C substitution at nucleotide position 86. The lysine at codon 29 is replaced by threonine, an amino acid with similar properties. This amino acid position is well conserved in available vertebrate species. In addition, this alteration is predicted to be tolerated by in silico analysis. Based on the available evidence, the clinical significance of this variant remains unclear.

Labcorp Genetics (formerly Invitae), Labcorp
Classification: Uncertain significance for EGFR-related lung cancer. Last evaluated: 2020-05-11. Review status: criteria provided, single submitter. Criteria: Invitae Variant Classification Sherloc (09022015). Collection method: clinical testing. Allele origin: germline.
Comment: Algorithms developed to predict the effect of missense changes on protein structure and function (SIFT, PolyPhen-2, Align-GVGD) all suggest that this variant is likely to be tolerated, but these predictions have not been confirmed by published functional studies and their clinical significance is uncertain. In summary, the available evidence is currently insufficient to determine the role of this variant in disease. Therefore, it has been classified as a Variant of Uncertain Significance. This variant has not been reported in the literature in individuals with EGFR-related conditions. This variant is present in population databases (rs774551548, ExAC 0.003%). This sequence change replaces lysine with threonine at codon 29 of the EGFR protein (p.Lys29Thr). The lysine residue is weakly conserved and there is a moderate physicochemical difference between lysine and threonine.